The following is an entry in ClinVar:

NM_001267550.2(TTN):c.32012-1G>T

Gene: TTN (titin; minus strand). Cytogenetic location: 2q31.2.
Variant type: single nucleotide variant.
Coding change: c.32012-1G>T on transcript NM_001267550.2 (MANE Select); the canonical splice acceptor site of the intron before coding-DNA position 32012, G replaced by T.
Molecular consequence: splice acceptor variant. On other transcripts: intron variant (3).
Genome position (GRCh38, 1-based): chr2:178,689,137, C>A on the plus strand (G>T on the coding strand, the complement: TTN is on the minus strand). VCF-style: chr2-178689137-C-A. GRCh37 (hg19) VCF-style: chr2-179553864-C-A.
Other names: c.13283-46820G>T (NM_003319.4); c.13859-46820G>T (NM_133437.4); c.13658-46820G>T (NM_133432.3); c.28280-1G>T (NM_133378.4); c.31061-1G>T (NM_001256850.1).
Identifiers: ClinVar variation 1375279 (VCV001375279.6), dbSNP rs2154278075, ClinGen allele CA349554539.

ClinVar aggregate classification (germline): Likely pathogenic (1 of 4 stars; one submission).

Conditions:
Dilated cardiomyopathy 1G (CMD1G). Identifiers: Orphanet 154, MedGen C1858763, MONDO:0011400, OMIM 604145.
Autosomal recessive limb-girdle muscular dystrophy type 2J (LGMDR10). Also called: MUSCULAR DYSTROPHY, LIMB-GIRDLE, AUTOSOMAL RECESSIVE 10; Limb-girdle muscular dystrophy, type 2J. Identifiers: Orphanet 140922, MedGen C1837342, MONDO:0012127, OMIM 608807.

Submission:

Labcorp Genetics (formerly Invitae), Labcorp
Classification: Likely pathogenic for Dilated cardiomyopathy 1G; Autosomal recessive limb-girdle muscular dystrophy type 2J. Last evaluated: 2024-11-03. Review status: criteria provided, single submitter. Criteria: Invitae Variant Classification Sherloc (09022015). Collection method: clinical testing. Allele origin: germline.
Comment: This sequence change affects an acceptor splice site in intron 124 of the TTN gene. It is expected to disrupt RNA splicing and likely results in a truncated or disrupted TTN protein. This variant is not present in population databases (gnomAD no frequency). This variant has not been observed in the literature in individuals with autosomal recessive TTN-related conditions. This variant has been reported in individual(s) with autosomal dominant dilated cardiomyopathy (internal data); however, the role of the variant in this condition is currently unclear. ClinVar contains an entry for this variant (Variation ID: 1375279). Algorithms developed to predict the effect of sequence changes on RNA splicing suggest that this variant may disrupt the consensus splice site. This variant is located in the I band of TTN (PMID: 25589632). Truncating variants in this region have been reported in individuals affected with autosomal recessive centronuclear myopathy (PMID: 23975875, internal data). Truncating variants in this region have also been identified in individuals affected with autosomal dominant dilated cardiomyopathy and/or cardio-related conditions (PMID: 27869827, 32964742, internal data). In summary, the currently available evidence indicates that the variant is pathogenic, but additional data are needed to prove that conclusively. Therefore, this variant has been classified as Likely Pathogenic.

Literature cited by the submitters: PubMed 25589632; PubMed 23975875; PubMed 27869827; PubMed 32964742.